The following is an entry in ClinVar:

NM_021072.4(HCN1):c.2180T>C (p.Leu727Pro)

Gene: HCN1 (hyperpolarization activated cyclic nucleotide gated potassium channel 1; minus strand). Cytogenetic location: 5p12.
Variant type: single nucleotide variant.
Coding change: c.2180T>C on transcript NM_021072.4 (MANE Select); coding-DNA position 2180, T replaced by C.
Protein change: p.Leu727Pro; replaces leucine 727 with proline.
Molecular consequence: missense variant.
Genome position (GRCh38, 1-based): chr5:45,262,414, A>G on the plus strand (T>C on the coding strand, the complement: HCN1 is on the minus strand). VCF-style: chr5-45262414-A-G. GRCh37 (hg19) VCF-style: chr5-45262516-A-G.
Other names: short protein forms L727P.
Identifiers: ClinVar variation 2630621 (VCV002630621.4), dbSNP rs1744764468, ClinGen allele CA359703889.

ClinVar aggregate classification (germline): Uncertain significance. Review status: criteria provided, multiple submitters, no conflicts (2 of 4 stars). 2 submissions from 2 submitters: Uncertain significance (2). Last evaluated 2023-12-26.

Conditions:
Early-infantile DEE. Also called: Early infantile epileptic encephalopathy with suppression bursts; Early infantile epileptic encephalopathy; Ohtahara syndrome. Identifiers: Orphanet 1934, MedGen C0393706, MONDO:0800491.
HCN1-related disorder. Also called: HCN1-related condition; HCN1-related disorders.

Allele frequency attached by ClinVar (database versions not stated): TOPMed below 0.00001.

Submissions (2):

Labcorp Genetics (formerly Invitae), Labcorp
Classification: Uncertain significance for Early-infantile DEE. Last evaluated: 2023-12-26. Review status: criteria provided, single submitter. Criteria: Invitae Variant Classification Sherloc (09022015). Collection method: clinical testing. Allele origin: germline.
Comment: This sequence change replaces leucine, which is neutral and non-polar, with proline, which is neutral and non-polar, at codon 727 of the HCN1 protein (p.Leu727Pro). This variant is not present in population databases (gnomAD no frequency). This variant has not been reported in the literature in individuals affected with HCN1-related conditions. ClinVar contains an entry for this variant (Variation ID: 2630621). Advanced modeling of protein sequence and biophysical properties (such as structural, functional, and spatial information, amino acid conservation, physicochemical variation, residue mobility, and thermodynamic stability) performed at Invitae indicates that this missense variant is not expected to disrupt HCN1 protein function with a negative predictive value of 80%. In summary, the available evidence is currently insufficient to determine the role of this variant in disease. Therefore, it has been classified as a Variant of Uncertain Significance.

PreventionGenetics, part of Exact Sciences
Classification: Uncertain significance for HCN1-related condition. Last evaluated: 2023-02-15. Review status: criteria provided, single submitter. Criteria: ACMG Guidelines, 2015. Collection method: clinical testing. Allele origin: germline.
Comment: The HCN1 c.2180T>C variant is predicted to result in the amino acid substitution p.Leu727Pro. To our knowledge, this variant has not been reported in the literature or in a large population database, indicating this variant is rare. At this time, the clinical significance of this variant is uncertain due to the absence of conclusive functional and genetic evidence.